The following is an entry in ClinVar:

ClinVar aggregate classification (germline): Uncertain significance (1 of 4 stars; one submission).

gnomAD v4.1: 4 of 1,204,790 alleles (0.00033%); highest among the groups gnomAD compares: Admixed American, 0.0088%; no homozygotes.

Submission:

Women's Health and Genetics/Laboratory Corporation of America, LabCorp
Classification: Uncertain significance. Last evaluated: 2026-04-02. Review status: criteria provided, single submitter. Criteria: LabCorp Variant Classification Summary - May 2015. Collection method: clinical testing. Allele origin: germline.
Comment: Variant summary: ELF4 c.1541C>G (p.Ser514Cys) results in a non-conservative amino acid change in the encoded protein sequence. Algorithms developed to predict the effect of missense changes on protein structure and function are either unavailable or do not agree on the potential impact of this missense change. The variant allele was found at a frequency of 1.7e-05 in 176077 control chromosomes. The available data on variant occurrences in the general population are insufficient to allow any conclusion about variant significance. To our knowledge, no occurrence of c.1541C>G in individuals affected with ELF4-related conditions and no experimental evidence demonstrating its impact on protein function have been reported. No submitters have cited clinical-significance assessments for this variant to ClinVar. Based on the evidence outlined above, the variant was classified as uncertain significance.

NM_001421.4(ELF4):c.1541C>G (p.Ser514Cys)

Gene: ELF4 (E74 like ETS transcription factor 4; minus strand). Cytogenetic location: Xq26.1.
Variant type: single nucleotide variant.
Coding change: c.1541C>G on transcript NM_001421.4 (MANE Select); coding-DNA position 1541, C replaced by G.
Protein change: p.Ser514Cys; replaces serine 514 with cysteine.
Molecular consequence: missense variant.
Genome position (GRCh38, 1-based): chrX:130,067,172, G>C on the plus strand (C>G on the coding strand, the complement: ELF4 is on the minus strand). VCF-style: chrX-130067172-G-C. GRCh37 (hg19) VCF-style: chrX-129201147-G-C.
Other names: c.1541C>G, p.Ser514Cys (NM_001127197.2, NM_001440765.1, NM_001440766.1); short protein forms S514C.
Identifiers: ClinVar variation 4848942 (VCV004848942.1).